The following is an entry in ClinVar:

ClinVar aggregate classification (germline): Conflicting classifications of pathogenicity. Review status: criteria provided, conflicting classifications (1 of 4 stars). 2 submissions from 2 submitters: Uncertain significance (1); Likely benign (1). Last evaluated 2026-08-23.

Conditions:
Primary ciliary dyskinesia. Also called: Ciliary dyskinesia. Identifiers: Orphanet 244, MedGen C0008780, MONDO:0016575, HP:0012265.

Allele frequency attached by ClinVar (database versions not stated): gnomAD exomes below 0.00001.
gnomAD v4.1: 1 of 1,613,666 alleles (0.000062%); highest among the groups gnomAD compares: Admixed American, 0.0017%; no homozygotes.

Submissions (2):

Ambry Genetics
Classification: Uncertain significance for Primary ciliary dyskinesia. Last evaluated: 2026-08-23. Review status: criteria provided, single submitter. Criteria: Ambry Variant Classification Scheme 2023. Collection method: clinical testing. Allele origin: germline.
Comment: The c.10453A>G (p.I3485V) alteration is located in exon 64 (coding exon 64) of the DNAH11 gene. This alteration results from a A to G substitution at nucleotide position 10453, causing the isoleucine (I) at amino acid position 3485 to be replaced by a valine (V). Based on data from gnomAD, the G allele has an overall frequency of <0.001% (1/248720) total alleles studied. The highest observed frequency was 0.003% (1/34380) of Latino alleles. Based on insufficient or conflicting evidence, the clinical significance of this alteration remains unclear.

Labcorp Genetics (formerly Invitae), Labcorp
Classification: Likely benign for Primary ciliary dyskinesia. Last evaluated: 2023-10-26. Review status: criteria provided, single submitter. Criteria: Invitae Variant Classification Sherloc (09022015). Collection method: clinical testing. Allele origin: germline.

NM_001277115.2(DNAH11):c.10453A>G (p.Ile3485Val)

Gene: DNAH11 (dynein axonemal heavy chain 11; plus strand). Cytogenetic location: 7p15.3.
Variant type: single nucleotide variant.
Coding change: c.10453A>G on transcript NM_001277115.2 (MANE Select); coding-DNA position 10453, A replaced by G.
Protein change: p.Ile3485Val; replaces isoleucine 3485 with valine.
Molecular consequence: missense variant.
Genome position (GRCh38, 1-based): chr7:21,816,587, A>G. VCF-style: chr7-21816587-A-G. GRCh37 (hg19) VCF-style: chr7-21856205-A-G.
Other names: c.10474A>G, p.Ile3492Val (NM_003777.3); c.10453A>G (NM_001277115.1); short protein forms I3485V, I3492V.
Identifiers: ClinVar variation 2919300 (VCV002919300.4), dbSNP rs1488913691, ClinGen allele CA366948602.